The following is an entry in ClinVar:

ClinVar aggregate classification (germline): Likely benign. Review status: criteria provided, multiple submitters, no conflicts (2 of 4 stars). 3 submissions from 3 submitters: Likely benign (2). 1 of the submissions does not count toward it. Last evaluated 2024-12-21.

Conditions:
HPS6-related disorder. Also called: HPS6-related condition.

Allele frequency attached by ClinVar (database versions not stated): gnomAD exomes below 0.00001 and 0.00003; gnomAD 0.00001; TOPMed 0.00002.
gnomAD v4.1: 47 of 1,608,882 alleles (0.0029%); highest among the groups gnomAD compares: Non-Finnish European, 0.0037%; no homozygotes.

Submissions (3):

Labcorp Genetics (formerly Invitae), Labcorp
Classification: Likely benign. Last evaluated: 2024-12-21. Review status: criteria provided, single submitter. Criteria: Invitae Variant Classification Sherloc (09022015). Collection method: clinical testing. Allele origin: germline.

Women's Health and Genetics/Laboratory Corporation of America, LabCorp
Classification: Likely benign. Last evaluated: 2022-02-26. Review status: criteria provided, single submitter. Criteria: LabCorp Variant Classification Summary - May 2015. Collection method: clinical testing. Allele origin: germline.

PreventionGenetics, part of Exact Sciences
Classification: Likely benign for HPS6-related condition. Last evaluated: 2019-03-20. Review status: no assertion criteria provided. Collection method: clinical testing. Allele origin: germline. Not counted in ClinVar's aggregate classification.
Comment: This variant is classified as likely benign based on ACMG/AMP sequence variant interpretation guidelines (Richards et al. 2015 PMID: 25741868, with internal and published modifications).

NM_024747.6(HPS6):c.567T>G (p.Pro189=)

Gene: HPS6 (HPS6 biogenesis of lysosomal organelles complex 2 subunit 3; plus strand). Cytogenetic location: 10q24.32.
Variant type: single nucleotide variant.
Coding change: c.567T>G on transcript NM_024747.6 (MANE Select); coding-DNA position 567, T replaced by G.
Protein change: p.Pro189=; no amino-acid change (proline 189 retained).
Molecular consequence: synonymous variant.
Genome position (GRCh38, 1-based): chr10:102,066,041, T>G. VCF-style: chr10-102066041-T-G. GRCh37 (hg19) VCF-style: chr10-103825798-T-G.
Identifiers: ClinVar variation 1343707 (VCV001343707.6), dbSNP rs1015249401, ClinGen allele CA212200252.
Genomic context (GRCh38, chr10:102,066,041, plus strand): 5'-GCCCAGCGGGGAAGCTAGCACCAGCCTGGGCCGCACACACGTCCTGCTGCACCACTGCCC[T>G]GCCTTCGGGCTGCTGGCCTCCTGCAGACAACTCTTCCTGGTGCCCACTGCCACCACCTGG-3'
Protein context (NP_079023.2, residues 179-199): GRTHVLLHHC[Pro189=]AFGLLASCRQ